The following is an entry in ClinVar:

ClinVar aggregate classification (germline): Uncertain significance (1 of 4 stars; one submission).

Allele frequency attached by ClinVar (database versions not stated): gnomAD exomes below 0.00001; ExAC 0.00001.
gnomAD v4.1: 1 of 1,507,684 alleles (0.000066%); highest among the groups gnomAD compares: African/African-American, 0.0015%; no homozygotes.

Submission:

Ambry Genetics
Classification: Uncertain significance. Last evaluated: 2023-07-01. Review status: criteria provided, single submitter. Criteria: Ambry Variant Classification Scheme 2023. Collection method: clinical testing. Allele origin: germline.
Comment: The p.I737L variant (also known as c.2209A>C), located in coding exon 19 of the BUB1 gene, results from an A to C substitution at nucleotide position 2209. The isoleucine at codon 737 is replaced by leucine, an amino acid with highly similar properties. This amino acid position is conserved. In addition, this alteration is predicted to be tolerated by in silico analysis. Since supporting evidence is limited at this time, the clinical significance of this alteration remains unclear.

NM_004336.5(BUB1):c.2209A>C (p.Ile737Leu)

Gene: BUB1 (BUB1 mitotic checkpoint serine/threonine kinase; minus strand). Cytogenetic location: 2q13.
Variant type: single nucleotide variant.
Coding change: c.2209A>C on transcript NM_004336.5 (MANE Select); coding-DNA position 2209, A replaced by C.
Protein change: p.Ile737Leu; replaces isoleucine 737 with leucine.
Molecular consequence: missense variant.
Genome position (GRCh38, 1-based): chr2:110,649,372, T>G on the plus strand (A>C on the coding strand, the complement: BUB1 is on the minus strand). VCF-style: chr2-110649372-T-G. GRCh37 (hg19) VCF-style: chr2-111406949-T-G.
Other names: c.2149A>C, p.Ile717Leu (NM_001278616.2); c.2209A>C, p.Ile737Leu (NM_001278617.2); short protein forms I717L, I737L.
Identifiers: ClinVar variation 2586145 (VCV002586145.2), dbSNP rs759309984, ClinGen allele CA1827843.
Genomic context (GRCh38, chr2:110,649,372, plus strand): 5'-GTTTAGAAAGCCCAGATAAAAGTTTGAAAATCAGCTTATCATCCCATGGGTTCCCAACAA[T>G]GAAGTCTTAAAGGAATGAGAAAAAAAAAAAAAAAGGGAACATGAATTGAGTACTCAAGAA-3'
Protein context (NP_004327.1, residues 727-747): SLGTVDAPNF[Ile737Leu]VGNPWDDKLI